The following is an entry in ClinVar:

NM_020821.3(VPS13C):c.6293C>T (p.Ser2098Phe)

Gene: VPS13C (vacuolar protein sorting 13 homolog C; minus strand). Cytogenetic location: 15q22.2.
Variant type: single nucleotide variant.
Coding change: c.6293C>T on transcript NM_020821.3 (MANE Select); coding-DNA position 6293, C replaced by T.
Protein change: p.Ser2098Phe; replaces serine 2098 with phenylalanine.
Molecular consequence: missense variant.
Genome position (GRCh38, 1-based): chr15:61,927,314, G>A on the plus strand (C>T on the coding strand, the complement: VPS13C is on the minus strand). VCF-style: chr15-61927314-G-A. GRCh37 (hg19) VCF-style: chr15-62219513-G-A.
Other names: c.6293C>T, p.Ser2098Phe (NM_001018088.3); c.6164C>T, p.Ser2055Phe (NM_017684.5, NM_018080.4); short protein forms S2055F, S2098F.
Identifiers: ClinVar variation 2175613 (VCV002175613.4), dbSNP rs144073158, ClinGen allele CA7595577.

ClinVar aggregate classification (germline): Uncertain significance (1 of 4 stars; one submission).

Allele frequency attached by ClinVar (database versions not stated): ExAC 0.00003; ESP Exome Variant Server 0.00008; gnomAD exomes 0.00008.
gnomAD v4.1: 121 of 1,612,988 alleles (0.0075%); highest among the groups gnomAD compares: Non-Finnish European, 0.0095%; no homozygotes.

Submission:

Labcorp Genetics (formerly Invitae), Labcorp
Classification: Uncertain significance. Last evaluated: 2021-12-17. Review status: criteria provided, single submitter. Criteria: Invitae Variant Classification Sherloc (09022015). Collection method: clinical testing. Allele origin: germline.
Comment: In summary, the available evidence is currently insufficient to determine the role of this variant in disease. Therefore, it has been classified as a Variant of Uncertain Significance. Algorithms developed to predict the effect of missense changes on protein structure and function (SIFT, PolyPhen-2, Align-GVGD) all suggest that this variant is likely to be tolerated. This variant has not been reported in the literature in individuals affected with VPS13C-related conditions. This variant is present in population databases (rs144073158, gnomAD 0.01%). This sequence change replaces serine, which is neutral and polar, with phenylalanine, which is neutral and non-polar, at codon 2098 of the VPS13C protein (p.Ser2098Phe).